The following is an entry in ClinVar:

ClinVar aggregate classification (germline): Uncertain significance (1 of 4 stars; one submission).

Submission:

Labcorp Genetics (formerly Invitae), Labcorp
Classification: Uncertain significance. Last evaluated: 2021-01-14. Review status: criteria provided, single submitter. Criteria: Invitae Variant Classification Sherloc (09022015). Collection method: clinical testing. Allele origin: germline.
Comment: In summary, the available evidence is currently insufficient to determine the role of this variant in disease. Therefore, it has been classified as a Variant of Uncertain Significance. Algorithms developed to predict the effect of missense changes on protein structure and function are either unavailable or do not agree on the potential impact of this missense change (SIFT: "Not Available"; PolyPhen-2: "Possibly Damaging"; Align-GVGD: "Not Available"). This variant has not been reported in the literature in individuals with CEP250-related conditions. This variant is not present in population databases (ExAC no frequency). This sequence change replaces glutamic acid with aspartic acid at codon 33 of the CEP250 protein (p.Glu33Asp). The glutamic acid residue is moderately conserved and there is a small physicochemical difference between glutamic acid and aspartic acid.

NM_007186.6(CEP250):c.99G>T (p.Glu33Asp)

Gene: CEP250 (centrosomal protein 250; plus strand). Cytogenetic location: 20q11.22.
Variant type: single nucleotide variant.
Coding change: c.99G>T on transcript NM_007186.6 (MANE Select); coding-DNA position 99, G replaced by T.
Protein change: p.Glu33Asp; replaces glutamic acid 33 with aspartic acid.
Molecular consequence: missense variant. On other transcripts: 5 prime UTR variant (1).
Genome position (GRCh38, 1-based): chr20:35,462,466, G>T. VCF-style: chr20-35462466-G-T. GRCh37 (hg19) VCF-style: chr20-34050291-G-T.
Other names: c.-1801G>T (NM_001318219.1); short protein forms E33D.
Identifiers: ClinVar variation 1486272 (VCV001486272.6), dbSNP rs1601114794, ClinGen allele CA408751473.
Genomic context (GRCh38, chr20:35,462,466, plus strand): 5'-CCAGTCACTGCAGCTGGTACTGGAAGAGCAGGTGCTGGCACTACAGCAGCAGATGGCAGA[G>T]AATCAGGCAGCCTCCTGGCGGAAGCTGAAGAACTCCCAGGAGGCCCAGCAGAGACAAGCA-3'
Protein context (NP_009117.2, residues 23-43): QVLALQQQMA[Glu33Asp]NQAASWRKLK